The following is an entry in ClinVar:

ClinVar aggregate classification (germline): Uncertain significance (1 of 4 stars; one submission).

gnomAD v4.1: 16 of 1,614,086 alleles (0.00099%); highest among the groups gnomAD compares: Admixed American, 0.01%; no homozygotes.

Submission:

GeneDx
Classification: Uncertain significance. Last evaluated: 2025-04-10. Review status: criteria provided, single submitter. Criteria: GeneDx Variant Classification Process June 2021. Collection method: clinical testing. Allele origin: germline. Affected: yes.
Comment: In silico analysis indicates that this missense variant does not alter protein structure/function; Has not been previously published as pathogenic or benign to our knowledge

NM_001038603.3(MARVELD2):c.938A>G (p.Asn313Ser)

Gene: MARVELD2 (MARVEL domain containing 2; plus strand). Cytogenetic location: 5q13.2.
Variant type: single nucleotide variant.
Coding change: c.938A>G on transcript NM_001038603.3 (MANE Select); coding-DNA position 938, A replaced by G.
Protein change: p.Asn313Ser; replaces asparagine 313 with serine.
Molecular consequence: missense variant.
Genome position (GRCh38, 1-based): chr5:69,420,323, A>G. VCF-style: chr5-69420323-A-G. GRCh37 (hg19) VCF-style: chr5-68716150-A-G.
Other names: c.938A>G, p.Asn313Ser (NM_001244734.2); short protein forms N313S.
Identifiers: ClinVar variation 4282370 (VCV004282370.1).